The following is an entry in ClinVar:

ClinVar aggregate classification (germline): Uncertain significance (1 of 4 stars; one submission).

Conditions:
Ullrich congenital muscular dystrophy 2 (UCMD2). Identifiers: Orphanet 75840, MedGen C4225314, MONDO:0014654, OMIM 616470.
Bethlem myopathy 2 (BTHLM2). Identifiers: Orphanet 536516, Orphanet 610, MedGen C4225313, MONDO:0034022, OMIM 616471.

gnomAD v4.1: 1 of 1,613,718 alleles (0.000062%); highest among the groups gnomAD compares: Non-Finnish European, 0.000085%; no homozygotes.

Submission:

Labcorp Genetics (formerly Invitae), Labcorp
Classification: Uncertain significance for Bethlem myopathy 2; Ullrich congenital muscular dystrophy 2. Last evaluated: 2021-06-14. Review status: criteria provided, single submitter. Criteria: Invitae Variant Classification Sherloc (09022015). Collection method: clinical testing. Allele origin: germline.
Comment: In summary, the available evidence is currently insufficient to determine the role of this variant in disease. Therefore, it has been classified as a Variant of Uncertain Significance. Algorithms developed to predict the effect of missense changes on protein structure and function are either unavailable or do not agree on the potential impact of this missense change (SIFT: "Deleterious"; PolyPhen-2: "Probably Damaging"; Align-GVGD: "Class C0"). This variant has not been reported in the literature in individuals with COL12A1-related conditions. This variant is not present in population databases (ExAC no frequency). This sequence change replaces proline with arginine at codon 2856 of the COL12A1 protein (p.Pro2856Arg). The proline residue is highly conserved and there is a moderate physicochemical difference between proline and arginine.

NM_004370.6(COL12A1):c.8567C>G (p.Pro2856Arg)

Gene: COL12A1 (collagen type XII alpha 1 chain; minus strand). Cytogenetic location: 6q13.
Variant type: single nucleotide variant.
Coding change: c.8567C>G on transcript NM_004370.6 (MANE Select); coding-DNA position 8567, C replaced by G.
Protein change: p.Pro2856Arg; replaces proline 2856 with arginine.
Molecular consequence: missense variant.
Genome position (GRCh38, 1-based): chr6:75,097,263, G>C on the plus strand (C>G on the coding strand, the complement: COL12A1 is on the minus strand). VCF-style: chr6-75097263-G-C. GRCh37 (hg19) VCF-style: chr6-75806979-G-C.
Other names: c.5075C>G, p.Pro1692Arg (NM_080645.3); short protein forms P1692R, P2856R.
Identifiers: ClinVar variation 1361201 (VCV001361201.8), dbSNP rs574147225, ClinGen allele CA364737322.